The following is an entry in ClinVar:

NM_032638.5(GATA2):c.445G>T (p.Gly149Trp)

Gene: GATA2 (GATA binding protein 2; minus strand). Cytogenetic location: 3q21.3.
Variant type: single nucleotide variant.
Coding change: c.445G>T on transcript NM_032638.5 (MANE Select); coding-DNA position 445, G replaced by T.
Protein change: p.Gly149Trp; replaces glycine 149 with tryptophan.
Molecular consequence: missense variant.
Genome position (GRCh38, 1-based): chr3:128,486,153, C>A on the plus strand (G>T on the coding strand, the complement: GATA2 is on the minus strand). VCF-style: chr3-128486153-C-A. GRCh37 (hg19) VCF-style: chr3-128204996-C-A.
Other names: c.445G>T, p.Gly149Trp (NM_001145661.2, NM_001145662.1); short protein forms G149W.
Identifiers: ClinVar variation 4826581 (VCV004826581.1).
Genomic context (GRCh38, chr3:128,486,153, plus strand): 5'-GGGAGCCAGAGTGGGCTGCTGTAGGGGTGAGGGAGGCCACTGAGCTCCCGCTGCCTCCCC[C>A]GCTCCCACCCCCAGCCCCTGGGTACACAGAGAGTGGGCCTCCAGGGCCTCCAGCAGCTGA-3'
Protein context (NP_116027.2, residues 139-159): SVYPGAGGGS[Gly149Trp]GGSGSSVASL

ClinVar aggregate classification (germline): Uncertain significance (1 of 4 stars; one submission).

Conditions:
Inborn genetic diseases. Identifiers: MedGen C0950123, MeSH D030342.

Submission:

Ambry Genetics
Classification: Uncertain significance for Inborn genetic diseases. Last evaluated: 2026-03-03. Review status: criteria provided, single submitter. Criteria: Ambry Variant Classification Scheme 2023. Collection method: clinical testing. Allele origin: germline.
Comment: The p.G149W variant (also known as c.445G>T), located in coding exon 2 of the GATA2 gene, results from a G to T substitution at nucleotide position 445. The glycine at codon 149 is replaced by tryptophan, an amino acid with highly dissimilar properties. This amino acid position is conserved. In addition, the in silico prediction for this alteration is inconclusive. Based on the available evidence, the clinical significance of this variant remains unclear.